The following is an entry in ClinVar:

NM_000092.5(COL4A4):c.2546-1G>A

Gene: COL4A4 (collagen type IV alpha 4 chain; minus strand). Cytogenetic location: 2q36.3.
Variant type: single nucleotide variant.
Coding change: c.2546-1G>A on transcript NM_000092.5 (MANE Select); the canonical splice acceptor site of the intron before coding-DNA position 2546, G replaced by A.
Molecular consequence: splice acceptor variant.
Genome position (GRCh38, 1-based): chr2:227,056,116, C>T on the plus strand (G>A on the coding strand, the complement: COL4A4 is on the minus strand). VCF-style: chr2-227056116-C-T. GRCh37 (hg19) VCF-style: chr2-227920832-C-T.
Identifiers: ClinVar variation 2034136 (VCV002034136.4), dbSNP rs1553641728, ClinGen allele CA350841146.

ClinVar aggregate classification (germline): Likely pathogenic (1 of 4 stars; one submission).

Submission:

Labcorp Genetics (formerly Invitae), Labcorp
Classification: Likely pathogenic. Last evaluated: 2022-10-05. Review status: criteria provided, single submitter. Criteria: Invitae Variant Classification Sherloc (09022015). Collection method: clinical testing. Allele origin: germline.
Comment: In summary, the currently available evidence indicates that the variant is pathogenic, but additional data are needed to prove that conclusively. Therefore, this variant has been classified as Likely Pathogenic. Algorithms developed to predict the effect of sequence changes on RNA splicing suggest that this variant may disrupt the consensus splice site. This variant has not been reported in the literature in individuals affected with COL4A4-related conditions. This variant is not present in population databases (gnomAD no frequency). This sequence change affects an acceptor splice site in intron 29 of the COL4A4 gene. It is expected to disrupt RNA splicing. Variants that disrupt the donor or acceptor splice site typically lead to a loss of protein function (PMID: 16199547), and loss-of-function variants in COL4A4 are known to be pathogenic (PMID: 21196518, 24854265, 25307543).

Literature cited by the submitters: PubMed 16199547; PubMed 21196518; PubMed 24854265; PubMed 25307543.